The following is an entry in ClinVar:

NM_001005361.3(DNM2):c.589+5C>A

Gene: DNM2 (dynamin 2; plus strand). Cytogenetic location: 19p13.2.
Variant type: single nucleotide variant.
Coding change: c.589+5C>A on transcript NM_001005361.3 (MANE Select); 5 bases into the intron after coding-DNA position 589, C replaced by A.
Molecular consequence: intron variant.
Genome position (GRCh38, 1-based): chr19:10,775,911, C>A. VCF-style: chr19-10775911-C-A. GRCh37 (hg19) VCF-style: chr19-10886587-C-A.
Other names: c.589+5C>A (NM_001005362.3, NM_001005360.3, NM_001190716.2 and 1 more transcripts).
Identifiers: ClinVar variation 1053612 (VCV001053612.7), dbSNP rs1290724089, ClinGen allele CA631740474.

ClinVar aggregate classification (germline): Uncertain significance (1 of 4 stars; one submission).

Conditions:
Charcot-Marie-Tooth disease dominant intermediate B (CMTDIB). Also called: CHARCOT-MARIE-TOOTH NEUROPATHY, DOMINANT INTERMEDIATE B; Charcot-Marie-Tooth disease dominant intermediate 1; CMT DI1; Charcot-Marie-Tooth disease dominant intermediate I. Identifiers: Orphanet 100044, Orphanet 228179, MedGen C1847902, MONDO:0011674, OMIM 606482.

Submission:

Labcorp Genetics (formerly Invitae), Labcorp
Classification: Uncertain significance for Charcot-Marie-Tooth disease dominant intermediate B. Last evaluated: 2020-08-31. Review status: criteria provided, single submitter. Criteria: Invitae Variant Classification Sherloc (09022015). Collection method: clinical testing. Allele origin: germline.
Comment: Nucleotide substitutions within the consensus splice site are a relatively common cause of aberrant splicing (PMID: 17576681, 9536098). Algorithms developed to predict the effect of sequence changes on RNA splicing suggest that this variant is not likely to affect RNA splicing, but this prediction has not been confirmed by published transcriptional studies. This variant has not been reported in the literature in individuals with DNM2-related conditions. This variant is not present in population databases (ExAC no frequency). This sequence change falls in intron 4 of the DNM2 gene. It does not directly change the encoded amino acid sequence of the DNM2 protein, but it affects a nucleotide within the consensus splice site of the intron. In summary, the available evidence is currently insufficient to determine the role of this variant in disease. Therefore, it has been classified as a Variant of Uncertain Significance.

Literature cited by the submitters: PubMed 17576681; PubMed 9536098.